The following is an entry in ClinVar:

NM_000091.5(COL4A3):c.3884G>T (p.Gly1295Val)

Genes: COL4A3 (collagen type IV alpha 3 chain; plus strand), MFF-DT (MFF divergent transcript; minus strand). Cytogenetic location: 2q36.3.
Variant type: single nucleotide variant.
Coding change: c.3884G>T on transcript NM_000091.5 (MANE Select); coding-DNA position 3884, G replaced by T.
Protein change: p.Gly1295Val; replaces glycine 1295 with valine.
Molecular consequence: missense variant.
Genome position (GRCh38, 1-based): chr2:227,303,039, G>T. VCF-style: chr2-227303039-G-T. GRCh37 (hg19) VCF-style: chr2-228167755-G-T.
Other names: short protein forms G1295V.
Identifiers: ClinVar variation 4818889 (VCV004818889.1).

ClinVar aggregate classification (germline): Likely pathogenic (1 of 4 stars; one submission).

Conditions:
Autosomal dominant Alport syndrome (ATS3A). Also called: Alport syndrome dominant type; Renal failure and sensorineural hearing loss; ALPORT SYNDROME 3A, AUTOSOMAL DOMINANT. Identifiers: Orphanet 63, Orphanet 88918, MedGen C5882663, MONDO:0007086, OMIM 104200.

Submission:

MVZ Medizinische Genetik Mainz
Classification: Likely pathogenic for Autosomal dominant Alport syndrome. Last evaluated: 2026-03-02. Review status: criteria provided, single submitter. Criteria: UK Practice Guidelines For Variant Classification V4 01 2020. Collection method: clinical testing. Allele origin: germline. Inheritance: Autosomal dominant inheritance. Affected: yes. Observed: 1 variant allele.
Comment: ACMG Criteria: PM1_STR,PM2_SUP,PP3